The following is an entry in ClinVar:

NM_003002.4(SDHD):c.352dup (p.Asp118fs)

Gene: SDHD (succinate dehydrogenase complex subunit D; plus strand). Cytogenetic location: 11q23.1.
Variant type: Duplication.
Coding change: c.352dup on transcript NM_003002.4 (MANE Select); coding-DNA position 352, one base duplicated (G; older notation c.352dupG).
Protein change: p.Asp118fs; shifts the reading frame from aspartic acid 118.
Molecular consequence: frameshift variant. On other transcripts: 3 prime UTR variant (1), non-coding transcript variant (1).
Genome position (GRCh38, 1-based): chr11:112,094,842, G duplicated; the last of 4 consecutive G bases (chr11:112,094,839-112,094,842); duplicating any one gives the same sequence. VCF-style (leftmost placement, unchanged base first): chr11-112094838-T-TG. GRCh37 (hg19) VCF-style: chr11-111965562-T-TG.
Other names: c.207dup, p.Met70fs (NM_001276503.2); c.235dup, p.Asp79fs (NM_001276504.2); c.*50dup (NM_001276506.2); short protein forms D118fs, D79fs, M70fs.
Identifiers: ClinVar variation 3754680 (VCV003754680.2).

ClinVar aggregate classification (germline): Pathogenic (1 of 4 stars; one submission).

Conditions:
Pheochromocytoma. Also called: MAX-Related Hereditary Paraganglioma-Pheochromocytoma Syndrome. Identifiers: Orphanet 29072, MedGen C0031511, MONDO:0008233, OMIM 171300, HP:0002666.
Paragangliomas with sensorineural hearing loss. Identifiers: MedGen C1868633.
Carney-Stratakis syndrome. Also called: PARAGANGLIOMA AND GASTROINTESTINAL STROMAL TUMOR. Identifiers: Orphanet 97286, MedGen C1847319, MONDO:0011740, OMIM 606864.
Cowden syndrome 3 (CWS3). Identifiers: Orphanet 201, MedGen CN166604, MONDO:0014045.

Submission:

Labcorp Genetics (formerly Invitae), Labcorp
Classification: Pathogenic for Carney-Stratakis syndrome; Paragangliomas with sensorineural hearing loss; Pheochromocytoma; Cowden syndrome 3. Last evaluated: 2024-08-07. Review status: criteria provided, single submitter. Criteria: Invitae Variant Classification Sherloc (09022015). Collection method: clinical testing. Allele origin: germline.
Comment: This sequence change results in a frameshift in the SDHD gene (p.Asp118Glyfs*73). While this is not anticipated to result in nonsense mediated decay, it is expected to disrupt the last 42 amino acid(s) of the SDHD protein and extend the protein by 30 additional amino acid residues. This variant is not present in population databases (gnomAD no frequency). This variant has not been reported in the literature in individuals affected with SDHD-related conditions. This variant disrupts a region of the SDHD protein in which other variant(s) (p.Ser132Glnfs*3) have been determined to be pathogenic (PMID: 11391798, 21348866; Invitae). This suggests that this is a clinically significant region of the protein, and that variants that disrupt it are likely to be disease-causing. For these reasons, this variant has been classified as Pathogenic.

Literature cited by the submitters: PubMed 11391798; PubMed 21348866.